The following is an entry in ClinVar:

ClinVar aggregate classification (germline): Uncertain significance (1 of 4 stars; one submission).

Conditions:
Familial episodic pain syndrome with predominantly lower limb involvement. Also called: Episodic pain syndrome, familial, 3. Identifiers: Orphanet 391384, Orphanet 391392, MedGen C3809899, MONDO:0014247, OMIM 615552.
Hereditary sensory and autonomic neuropathy type 7. Also called: Neuropathy, hereditary sensory and autonomic, type VII; HSAN VII. Identifiers: Orphanet 391397, MedGen C3809882, MONDO:0014244, OMIM 615548.

Allele frequency attached by ClinVar (database versions not stated): gnomAD exomes below 0.00001; TOPMed below 0.00001; gnomAD 0.00001.
gnomAD v4.1: 2 of 1,613,792 alleles (0.00012%); highest among the groups gnomAD compares: Admixed American, 0.0033%; no homozygotes.

Submission:

Labcorp Genetics (formerly Invitae), Labcorp
Classification: Uncertain significance for Familial episodic pain syndrome with predominantly lower limb involvement; Hereditary sensory and autonomic neuropathy type 7. Last evaluated: 2020-04-27. Review status: criteria provided, single submitter. Criteria: Invitae Variant Classification Sherloc (09022015). Collection method: clinical testing. Allele origin: germline.
Comment: This sequence change replaces isoleucine with methionine at codon 1381 of the SCN11A protein (p.Ile1381Met). The isoleucine residue is moderately conserved and there is a small physicochemical difference between isoleucine and methionine. This variant is not present in population databases (ExAC no frequency). This variant has not been reported in the literature in individuals with SCN11A-related disease. Algorithms developed to predict the effect of missense changes on protein structure and function do not agree on the potential impact of this missense change (SIFT: "Deleterious"; PolyPhen-2: "Benign"; Align-GVGD: "Class C0"). In summary, the available evidence is currently insufficient to determine the role of this variant in disease. Therefore, it has been classified as a Variant of Uncertain Significance.

NM_001349253.2(SCN11A):c.4143T>G (p.Ile1381Met)

Gene: SCN11A (sodium voltage-gated channel alpha subunit 11; minus strand). Cytogenetic location: 3p22.2.
Variant type: single nucleotide variant.
Coding change: c.4143T>G on transcript NM_001349253.2 (MANE Select); coding-DNA position 4143, T replaced by G.
Protein change: p.Ile1381Met; replaces isoleucine 1381 with methionine.
Molecular consequence: missense variant.
Genome position (GRCh38, 1-based): chr3:38,850,665, A>C on the plus strand (T>G on the coding strand, the complement: SCN11A is on the minus strand). VCF-style: chr3-38850665-A-C. GRCh37 (hg19) VCF-style: chr3-38892156-A-C.
Other names: c.4143T>G, p.Ile1381Met (NM_014139.3); short protein forms I1381M.
Identifiers: ClinVar variation 569618 (VCV000569618.5), dbSNP rs1183602308, ClinGen allele CA352165703.